The following is an entry in ClinVar:

ClinVar aggregate classification (germline): Conflicting classifications of pathogenicity. Review status: criteria provided, conflicting classifications (1 of 4 stars). 7 submissions from 7 submitters: Uncertain significance (6); Likely benign (1). Last evaluated 2026-01-14.

Conditions:
Muscular dystrophy, limb-girdle, autosomal recessive 23. Identifiers: Orphanet 565837, MedGen C4748327, MONDO:0029136, OMIM 618138.
Merosin deficient congenital muscular dystrophy (MDC1A). Also called: Congenital merosin-deficient muscular dystrophy 1A; Congenital Muscular Dystrophy Type 1A (MDC1A). Identifiers: MedGen C1263858, MONDO:0011925, OMIM 607855, Orphanet 258.
Inborn genetic diseases. Identifiers: MedGen C0950123, MeSH D030342.
Primary dilated cardiomyopathy (DCM). Also called: Dilated Cardiomyopathy. Identifiers: Orphanet 217604, MedGen C0007193, MeSH D002311, MONDO:0005021, HP:0001644. Inheritance: Various modes of inheritance.
LAMA2-related disorder. Also called: LAMA2-related disorders; LAMA2-related condition.
LAMA2-related muscular dystrophy (LAMA2-RD). Also called: Laminin alpha 2-related dystrophy. Identifiers: MedGen C5679788, MONDO:0100228.
Congenital muscular dystrophy due to partial LAMA2 deficiency. Identifiers: MedGen C1842898.

Allele frequency attached by ClinVar (database versions not stated): gnomAD exomes 0.00005 and 0.00009; ESP Exome Variant Server 0.00008; ExAC 0.00010; TOPMed 0.00014; 1000 Genomes Project 0.00020; gnomAD 0.00020 and 0.00021; 1000 Genomes Project 30x 0.00047.
gnomAD v4.1: 108 of 1,613,246 alleles (0.0067%); highest among the groups gnomAD compares: African/African-American, 0.045%; no homozygotes.

Submissions (7):

Labcorp Genetics (formerly Invitae), Labcorp
Classification: Likely benign for LAMA2-related muscular dystrophy. Last evaluated: 2026-01-14. Review status: criteria provided, single submitter. Criteria: Invitae Variant Classification Sherloc (09022015). Collection method: clinical testing. Allele origin: germline.

PreventionGenetics, part of Exact Sciences
Classification: Uncertain significance for LAMA2-related condition. Last evaluated: 2025-08-18. Review status: criteria provided, single submitter. Criteria: ACMG Guidelines, 2015. Collection method: clinical testing. Allele origin: germline.
Comment: The LAMA2 c.8905C>T variant is predicted to result in the amino acid substitution p.Arg2969Cys. To our knowledge, this variant has not been reported in the literature. This variant is reported in 0.024% of alleles in individuals of African descent in gnomAD. At this time, the clinical significance of this variant is uncertain due to the absence of conclusive functional and genetic evidence.

GeneDx
Classification: Uncertain significance. Last evaluated: 2024-09-17. Review status: criteria provided, single submitter. Criteria: GeneDx Variant Classification Process June 2021. Collection method: clinical testing. Allele origin: germline.
Comment: In silico analysis supports that this missense variant has a deleterious effect on protein structure/function; Has not been previously published as pathogenic or benign to our knowledge

Ambry Genetics
Classification: Uncertain significance for Inborn genetic diseases. Last evaluated: 2024-06-28. Review status: criteria provided, single submitter. Criteria: Ambry Variant Classification Scheme 2023. Collection method: clinical testing. Allele origin: germline.

Fulgent Genetics
Classification: Uncertain significance for Merosin deficient congenital muscular dystrophy; Muscular dystrophy, limb-girdle, autosomal recessive 23. Last evaluated: 2021-10-29. Review status: criteria provided, single submitter. Criteria: ACMG Guidelines, 2015. Collection method: clinical testing. Allele origin: unknown.

Illumina Laboratory Services, Illumina
Classification: Uncertain significance for Congenital muscular dystrophy due to partial LAMA2 deficiency. Last evaluated: 2018-01-12. Review status: criteria provided, single submitter. Criteria: ICSL Variant Classification Criteria 13 December 2019. Collection method: clinical testing. Allele origin: germline.

Genetics and Genomics Program, Sidra Medicine
Classification: Uncertain significance for Primary dilated cardiomyopathy. Review status: criteria provided, single submitter. Criteria: ACMG Guidelines, 2015. Collection method: research. Allele origin: unknown. Affected: yes. Observed: 1 variant allele.

NM_000426.4(LAMA2):c.8905C>T (p.Arg2969Cys)

Gene: LAMA2 (laminin subunit alpha 2; plus strand). Cytogenetic location: 6q22.33.
Variant type: single nucleotide variant.
Coding change: c.8905C>T on transcript NM_000426.4 (MANE Select); coding-DNA position 8905, C replaced by T.
Protein change: p.Arg2969Cys; replaces arginine 2969 with cysteine.
Molecular consequence: missense variant.
Genome position (GRCh38, 1-based): chr6:129,512,410, C>T. VCF-style: chr6-129512410-C-T. GRCh37 (hg19) VCF-style: chr6-129833555-C-T.
Other names: c.8893C>T, p.Arg2965Cys (NM_001079823.2); short protein forms R2969C, R2965C.
Identifiers: ClinVar variation 566814 (VCV000566814.20), dbSNP rs374888837, ClinGen allele CA3994961.